The following is an entry in ClinVar:

NM_001458.5(FLNC):c.5051C>T (p.Thr1684Met)

Gene: FLNC (filamin C; plus strand). Cytogenetic location: 7q32.1.
Variant type: single nucleotide variant.
Coding change: c.5051C>T on transcript NM_001458.5 (MANE Select); coding-DNA position 5051, C replaced by T.
Protein change: p.Thr1684Met; replaces threonine 1684 with methionine.
Molecular consequence: missense variant.
Genome position (GRCh38, 1-based): chr7:128,849,430, C>T. VCF-style: chr7-128849430-C-T. GRCh37 (hg19) VCF-style: chr7-128489484-C-T.
Other names: c.5051C>T, p.Thr1684Met (NM_001127487.2); short protein forms T1684M.
Identifiers: ClinVar variation 657213 (VCV000657213.15), dbSNP rs1294213097, ClinGen allele CA369204070.

ClinVar aggregate classification (germline): Conflicting classifications of pathogenicity. Review status: criteria provided, conflicting classifications (1 of 4 stars). 5 submissions from 5 submitters: Uncertain significance (4); Likely benign (1). Last evaluated 2025-05-24.

Conditions:
Myofibrillar myopathy 5. Also called: FILAMINOPATHY, AUTOSOMAL DOMINANT; Filaminopathy (type). Identifiers: Orphanet 171445, MedGen C1836050, MONDO:0012289, OMIM 609524.
Hypertrophic cardiomyopathy 26. Also called: Cardiomyopathy, familial hypertrophic, 26. Identifiers: Orphanet 75249, MedGen C4310749, MONDO:0014883, OMIM 617047.
Distal myopathy with posterior leg and anterior hand involvement. Also called: WILLIAMS DISTAL MYOPATHY. Identifiers: Orphanet 63273, MedGen C3279722, MONDO:0013550, OMIM 614065.
Cardiovascular phenotype. Identifiers: MedGen CN230736.

Allele frequency attached by ClinVar (database versions not stated): gnomAD exomes 0.00001; TOPMed 0.00002.
gnomAD v4.1: 17 of 1,614,200 alleles (0.0011%); highest among the groups gnomAD compares: East Asian, 0.0067%; no homozygotes.

Submissions (5):

GeneDx
Classification: Uncertain significance. Last evaluated: 2025-05-24. Review status: criteria provided, single submitter. Criteria: GeneDx Variant Classification Process June 2021. Collection method: clinical testing. Allele origin: germline. Affected: yes.
Comment: Not observed at significant frequency in large population cohorts (gnomAD); In silico analysis supports that this missense variant has a deleterious effect on protein structure/function; Has not been previously published as pathogenic or benign to our knowledge; This variant is associated with the following publications: (PMID: 32112656)

Labcorp Genetics (formerly Invitae), Labcorp
Classification: Likely benign for Distal myopathy with posterior leg and anterior hand involvement; Myofibrillar myopathy 5; Hypertrophic cardiomyopathy 26. Last evaluated: 2025-05-14. Review status: criteria provided, single submitter. Criteria: Invitae Variant Classification Sherloc (09022015). Collection method: clinical testing. Allele origin: germline.

Ambry Genetics
Classification: Uncertain significance for Cardiovascular phenotype. Last evaluated: 2023-05-30. Review status: criteria provided, single submitter. Criteria: Ambry Variant Classification Scheme 2023. Collection method: clinical testing. Allele origin: germline.
Comment: The p.T1684M variant (also known as c.5051C>T), located in coding exon 30 of the FLNC gene, results from a C to T substitution at nucleotide position 5051. The threonine at codon 1684 is replaced by methionine, an amino acid with similar properties. This amino acid position is highly conserved in available vertebrate species. In addition, this alteration is predicted to be deleterious by in silico analysis. Since supporting evidence is limited at this time, the clinical significance of this alteration remains unclear.

Victorian Clinical Genetics Services, Murdoch Childrens Research Institute
Classification: Uncertain significance for Hypertrophic cardiomyopathy 26. Last evaluated: 2022-02-02. Review status: criteria provided, single submitter. Criteria: ACMG Guidelines, 2015. Collection method: clinical testing. Allele origin: germline. Inheritance: Autosomal dominant inheritance. Affected: yes.
Comment: Based on the classification scheme VCGS_Germline_v1.3.4, this variant is classified as VUS-3B. Following criteria are met: 0103 - Loss of function and gain of function are known mechanisms of disease in this gene. Loss of function is the established mechanism of disease for variants in dilated cardiomyopathy, hypertrophic cardiomyopathy, restrictive cardiomyopathy (MIM#617047) and myofibrillar myopathy (MIM#609524). In distal myopathy (MIM#614065), NMD-predicted variants cause a loss of function, however missense variants have been shown to result in a toxic gain of function (PMID: 32112656). (I) 0107 - This gene is associated with autosomal dominant disease. Variants located throughout the gene that are predicted to result in nonsense-mediated decay (NMD) are enriched in dilated cardiomyopathy, whereas missense variants in the ROD2 domain are enriched in hypertrophic cardiomyopathy and restrictive cardiomyopathy (MIM#617047). Additionally, myofibrillar myopathy (MIM#609524) is known to result from either missense variants in the ROD2 domain or truncating variants in the Ig-like domain 24, while missense variants in the actin-binding domain and NMD-predicted variants located in the Ig-like domain 15 and have been reported for distal myopathy (MIM#614065) (PMID: 32112656). 0200 - Variant is predicted to result in a missense amino acid change from threonine to methionine. (I) 0251 - This variant is heterozygous. (I) 0302 - Variant is present in gnomAD (v2) <0.001 for a dominant condition (3 heterozygotes, 0 homozygotes). (SP) 0309 - An alternative amino acid change at the same position has been observed in gnomAD (v3) (1 heterozygote, 0 homozygotes). (I) 0502 - Missense variant with conflicting in silico predictions and uninformative conservation. (I) 0600 - Variant is located in an annotated filamin repeat domain (UniProt). (I) 0705 - No comparable missense variants have previous evidence for pathogenicity. (I) 0809 - Previous evidence of pathogenicity for this variant is inconclusive. This variant has one VUS entry in ClinVar. (I) 0905 - No published segregation evidence has been identified for this variant. (I) 1007 - No published functional evidence has been identified for this variant. (I) Legend: (SP) - Supporting pathogenic, (I) - Information, (SB) - Supporting benign

Blueprint Genetics
Classification: Uncertain significance. Last evaluated: 2020-10-07. Review status: criteria provided, single submitter. Criteria: ACMG Guidelines, 2015. Collection method: clinical testing. Allele origin: germline.

Literature cited by the submitters: PubMed 32112656 (cited by Victorian Clinical Genetics Services, Murdoch Childrens Research Institute).